The following is an entry in ClinVar:

ClinVar aggregate classification (germline): Likely benign. Review status: criteria provided, single submitter (1 of 4 stars). 2 submissions from 2 submitters: Likely benign (1). 1 of the submissions does not count toward it. Last evaluated 2018-06-22.

Conditions:
BRD2-related disorder. Also called: BRD2-related condition.

Allele frequency attached by ClinVar (database versions not stated): gnomAD 0.00009; ExAC 0.00012; gnomAD exomes 0.00014; ESP Exome Variant Server 0.00015; TOPMed 0.00015; 1000 Genomes Project 30x 0.00016; 1000 Genomes Project 0.00020.

Submissions (2):

Labcorp Genetics (formerly Invitae), Labcorp
Classification: Likely benign. Last evaluated: 2018-06-22. Review status: criteria provided, single submitter. Criteria: Invitae Variant Classification Sherloc (09022015). Collection method: clinical testing. Allele origin: germline.

PreventionGenetics, part of Exact Sciences
Classification: Likely benign for BRD2-related condition. Last evaluated: 2019-05-23. Review status: no assertion criteria provided. Collection method: clinical testing. Allele origin: germline. Not counted in ClinVar's aggregate classification.
Comment: This variant is classified as likely benign based on ACMG/AMP sequence variant interpretation guidelines (Richards et al. 2015 PMID: 25741868, with internal and published modifications).

NM_005104.4(BRD2):c.285C>T (p.Phe95=)

Gene: BRD2 (bromodomain containing 2; plus strand). Cytogenetic location: 6p21.32.
Variant type: single nucleotide variant.
Coding change: c.285C>T on transcript NM_005104.4 (MANE Select); coding-DNA position 285, C replaced by T.
Protein change: p.Phe95=; no amino-acid change (phenylalanine 95 retained).
Molecular consequence: synonymous variant. On other transcripts: 5 prime UTR variant (1).
Genome position (GRCh38, 1-based): chr6:32,974,717, C>T. VCF-style: chr6-32974717-C-T. GRCh37 (hg19) VCF-style: chr6-32942494-C-T.
Other names: c.285C>T, p.Phe95= (NM_001199455.1, NM_001113182.3); c.144C>T, p.Phe48= (NM_001199456.2); c.-168C>T (NM_001291986.2); c.144C>T (NM_001199456.1).
Identifiers: ClinVar variation 722120 (VCV000722120.5), dbSNP rs375791386, ClinGen allele CA3748083.